The following is an entry in ClinVar:

NM_001939.3(DRP2):c.286C>T (p.Arg96Cys)

Gene: DRP2 (dystrophin related protein 2; plus strand). Cytogenetic location: Xq22.1.
Variant type: single nucleotide variant.
Coding change: c.286C>T on transcript NM_001939.3 (MANE Select); coding-DNA position 286, C replaced by T.
Protein change: p.Arg96Cys; replaces arginine 96 with cysteine.
Molecular consequence: missense variant.
Genome position (GRCh38, 1-based): chrX:101,237,623, C>T. VCF-style: chrX-101237623-C-T. GRCh37 (hg19) VCF-style: chrX-100492612-C-T.
Other names: c.52C>T, p.Arg18Cys (NM_001171184.2); short protein forms R18C, R96C.
Identifiers: ClinVar variation 1910844 (VCV001910844.5), dbSNP rs760264042, ClinGen allele CA10472045.
Genomic context (GRCh38, chrX:101,237,623, plus strand): 5'-TGTTTTGCCACTTAAAAAGAAGACTGAACATCACTGGTTTTACTCATTGTGTGCAGCGCT[C>T]GCCTAGAGGCCTTCTCAGACCACAGTGGAAAGCTTCAGCTCCCTCTTCAAGAGATTATTG-3'
Protein context (NP_001930.2, residues 86-106): IKKKSHNLRA[Arg96Cys]LEAFSDHSGK

ClinVar aggregate classification (germline): Uncertain significance (1 of 4 stars; one submission).

Allele frequency attached by ClinVar (database versions not stated): TOPMed below 0.00001; ExAC 0.00001.

Submission:

Labcorp Genetics (formerly Invitae), Labcorp
Classification: Uncertain significance. Last evaluated: 2024-10-01. Review status: criteria provided, single submitter. Criteria: Invitae Variant Classification Sherloc (09022015). Collection method: clinical testing. Allele origin: germline.
Comment: This sequence change replaces arginine, which is basic and polar, with cysteine, which is neutral and slightly polar, at codon 96 of the DRP2 protein (p.Arg96Cys). The frequency data for this variant in the population databases is considered unreliable, as metrics indicate poor data quality at this position in the gnomAD database. This variant has not been reported in the literature in individuals affected with DRP2-related conditions. ClinVar contains an entry for this variant (Variation ID: 1910844). Invitae Evidence Modeling of protein sequence and biophysical properties (such as structural, functional, and spatial information, amino acid conservation, physicochemical variation, residue mobility, and thermodynamic stability) indicates that this missense variant is not expected to disrupt DRP2 protein function with a negative predictive value of 80%. In summary, the available evidence is currently insufficient to determine the role of this variant in disease. Therefore, it has been classified as a Variant of Uncertain Significance.